The following is an entry in ClinVar:

ClinVar aggregate classification (germline): Uncertain significance (1 of 4 stars; one submission).

Conditions:
Neurofibromatosis, type 2 (SWNV). Also called: BILATERAL ACOUSTIC NEUROFIBROMATOSIS; SCHWANNOMATOSIS, VESTIBULAR; NF2-Related Schwannomatosis. Identifiers: Orphanet 637, MedGen C0027832, MONDO:0007039, OMIM 101000. Disease mechanism: loss of function.

Submission:

Labcorp Genetics (formerly Invitae), Labcorp
Classification: Uncertain significance for Neurofibromatosis, type 2. Last evaluated: 2021-06-10. Review status: criteria provided, single submitter. Criteria: Invitae Variant Classification Sherloc (09022015). Collection method: clinical testing. Allele origin: germline.
Comment: In summary, the available evidence is currently insufficient to determine the role of this variant in disease. Therefore, it has been classified as a Variant of Uncertain Significance. Algorithms developed to predict the effect of missense changes on protein structure and function (SIFT, PolyPhen-2, Align-GVGD) all suggest that this variant is likely to be disruptive, but these predictions have not been confirmed by published functional studies and their clinical significance is uncertain. This variant has not been reported in the literature in individuals with NF2-related conditions. This variant is not present in population databases (ExAC no frequency). This sequence change replaces arginine with threonine at codon 331 of the NF2 protein (p.Arg331Thr). The arginine residue is highly conserved and there is a moderate physicochemical difference between arginine and threonine.

NM_000268.4(NF2):c.992G>C (p.Arg331Thr)

Gene: NF2 (NF2, moesin-ezrin-radixin like (MERLIN) tumor suppressor; plus strand). Cytogenetic location: 22q12.2.
Variant type: single nucleotide variant.
Coding change: c.992G>C on transcript NM_000268.4 (MANE Select); coding-DNA position 992, G replaced by C.
Protein change: p.Arg331Thr; replaces arginine 331 with threonine.
Molecular consequence: missense variant. On other transcripts: non-coding transcript variant (1), intron variant (1).
Genome position (GRCh38, 1-based): chr22:29,668,439, G>C. VCF-style: chr22-29668439-G-C. GRCh37 (hg19) VCF-style: chr22-30064428-G-C.
Other names: c.992G>C, p.Arg331Thr (NM_016418.5, NM_181825.3, NM_181832.3); c.866G>C, p.Arg289Thr (NM_181828.3); c.869G>C, p.Arg290Thr (NM_181829.3); c.743G>C, p.Arg248Thr (NM_181830.3, NM_181831.3); c.447+26154G>C (NM_181833.3); short protein forms R248T, R289T, R331T, R290T.
Identifiers: ClinVar variation 959850 (VCV000959850.10), dbSNP rs2066690499, ClinGen allele CA411146176.